The following is an entry in ClinVar:

ClinVar aggregate classification (germline): Uncertain significance. Review status: criteria provided, multiple submitters, no conflicts (2 of 4 stars). 2 submissions from 2 submitters: Uncertain significance (2). Last evaluated 2025-02-17.

Conditions:
Hereditary cancer-predisposing syndrome. Also called: Hereditary Cancer Syndrome; Hereditary neoplastic syndrome; Tumor predisposition; Neoplastic Syndromes, Hereditary. Identifiers: Orphanet 140162, MedGen C0027672, MeSH D009386, MONDO:0015356.
Multiple endocrine neoplasia, type 2 (MEN2). Identifiers: Orphanet 653, MedGen C4048306, MONDO:0019003. Disease mechanism: gain of function.

Submissions (2):

Labcorp Genetics (formerly Invitae), Labcorp
Classification: Uncertain significance for Multiple endocrine neoplasia, type 2. Last evaluated: 2025-02-17. Review status: criteria provided, single submitter. Criteria: Invitae Variant Classification Sherloc (09022015). Collection method: clinical testing. Allele origin: germline.
Comment: This sequence change replaces serine, which is neutral and polar, with asparagine, which is neutral and polar, at codon 767 of the RET protein (p.Ser767Asn). This variant is not present in population databases (gnomAD no frequency). This variant has not been reported in the literature in individuals affected with RET-related conditions. ClinVar contains an entry for this variant (Variation ID: 1789288). An algorithm developed to predict the effect of missense changes on protein structure and function outputs the following: PolyPhen-2: "Possibly Damaging". The asparagine amino acid residue is found in multiple mammalian species, which suggests that this missense change does not adversely affect protein function. In summary, the available evidence is currently insufficient to determine the role of this variant in disease. Therefore, it has been classified as a Variant of Uncertain Significance.

Ambry Genetics
Classification: Uncertain significance for Hereditary cancer-predisposing syndrome. Last evaluated: 2022-06-28. Review status: criteria provided, single submitter. Criteria: Ambry Variant Classification Scheme 2023. Collection method: clinical testing. Allele origin: germline.
Comment: The p.S767N variant (also known as c.2300G>A), located in coding exon 13 of the RET gene, results from a G to A substitution at nucleotide position 2300. The serine at codon 767 is replaced by asparagine, an amino acid with highly similar properties. This amino acid position is conserved. In addition, this alteration is predicted to be tolerated by in silico analysis. Since supporting evidence is limited at this time, the clinical significance of this alteration remains unclear.

NM_020975.6(RET):c.2300G>A (p.Ser767Asn)

Gene: RET (ret proto-oncogene; plus strand). Cytogenetic location: 10q11.21.
Variant type: single nucleotide variant.
Coding change: c.2300G>A on transcript NM_020975.6 (MANE Select); coding-DNA position 2300, G replaced by A.
Protein change: p.Ser767Asn; replaces serine 767 with asparagine.
Molecular consequence: missense variant.
Genome position (GRCh38, 1-based): chr10:43,118,388, G>A. VCF-style: chr10-43118388-G-A. GRCh37 (hg19) VCF-style: chr10-43613836-G-A.
Other names: c.2300G>A, p.Ser767Asn (NM_000323.2, NM_001406743.1, NM_001406744.1 and 4 more transcripts); c.1538G>A, p.Ser513Asn (NM_001355216.2); c.2171G>A, p.Ser724Asn (NM_001406761.1, NM_001406762.1, NM_001406764.1); c.2165G>A, p.Ser722Asn (NM_001406763.1, NM_001406765.1); c.2012G>A, p.Ser671Asn (NM_001406766.1, NM_001406767.1, NM_001406770.1); c.2036G>A, p.Ser679Asn (NM_001406768.1); c.1904G>A, p.Ser635Asn (NM_001406769.1, NM_001406772.1); c.1862G>A, p.Ser621Asn (NM_001406771.1, NM_001406773.1); and 10 more; short protein forms S428N, S468N, S513N, S679N, S425N, S437N, S525N, S621N.
Identifiers: ClinVar variation 1789288 (VCV001789288.3), dbSNP rs2132928020, ClinGen allele CA376555577.